The following is an entry in ClinVar:

ClinVar aggregate classification (germline): Likely benign (0 of 4 stars; one submission).

Conditions:
RPS6KA3-related disorder. Also called: RPS6KA3-related condition.

Submission:

PreventionGenetics, part of Exact Sciences
Classification: Likely benign for RPS6KA3-related condition. Last evaluated: 2023-12-01. Review status: no assertion criteria provided. Collection method: clinical testing. Allele origin: germline.
Comment: This variant is classified as likely benign based on ACMG/AMP sequence variant interpretation guidelines (Richards et al. 2015 PMID: 25741868, with internal and published modifications).

NM_004586.3(RPS6KA3):c.360T>C (p.Asp120=)

Gene: RPS6KA3 (ribosomal protein S6 kinase A3; minus strand). Cytogenetic location: Xp22.12.
Variant type: single nucleotide variant.
Coding change: c.360T>C on transcript NM_004586.3 (MANE Select); coding-DNA position 360, T replaced by C.
Protein change: p.Asp120=; no amino-acid change (aspartic acid 120 retained).
Molecular consequence: synonymous variant.
Genome position (GRCh38, 1-based): chrX:20,195,111, A>G on the plus strand (T>C on the coding strand, the complement: RPS6KA3 is on the minus strand). VCF-style: chrX-20195111-A-G. GRCh37 (hg19) VCF-style: chrX-20213229-A-G.
Identifiers: ClinVar variation 3352758 (VCV003352758.1).